The following is an entry in ClinVar:

ClinVar aggregate classification (germline): Pathogenic/Likely pathogenic. Review status: criteria provided, multiple submitters, no conflicts (2 of 4 stars). 2 submissions from 2 submitters: Pathogenic (1); Likely pathogenic (1). Last evaluated 2025-08-27.

Conditions:
Maple syrup urine disease type 1A (MSUD1A). Also called: MSUD type 1A. Identifiers: MedGen C1855369, MONDO:0023691, OMIM 248600.

Submissions (2):

3billion
Classification: Pathogenic for Maple syrup urine disease type 1A. Last evaluated: 2025-08-27. Review status: criteria provided, single submitter. Criteria: ACMG Guidelines, 2015. Collection method: clinical testing. Allele origin: germline. Affected: yes.
Comment: The variant is not observed in the gnomAD v4.1.0 dataset. Predicted Consequence/Location: Frameshift: predicted to result in a loss or disruption of normal protein function through nonsense-mediated decay (NMD) or protein truncation. Multiple pathogenic variants are reported downstream of the variant. Therefore, this variant is classified as Pathogenic according to the recommendation of ACMG/AMP guideline.

Natera, Inc.
Classification: Likely pathogenic for Maple syrup urine disease type 1A. Last evaluated: 2025-08-12. Review status: criteria provided, single submitter. Criteria: Natera Variant Classification Schema (03/2026). Collection method: clinical testing. Allele origin: germline.
Comment: The c.691del variant in BCKDHA is a frameshift variant predicted to shift the reading frame beginning at codon 231 and leads to a stop codon 99 codons downstream. This variant is expected to result in nonsense mediated decay, truncation, or a dysfunctional protein product. This variant is rare in the general population with a frequency below the threshold expected for the associated phenotype(s). Given the available evidence, this variant is classified as Likely Pathogenic.

NM_000709.4(BCKDHA):c.691del (p.Val231fs)

Gene: BCKDHA (branched chain keto acid dehydrogenase E1 subunit alpha; plus strand). Cytogenetic location: 19q13.2.
Variant type: Deletion.
Coding change: c.691del on transcript NM_000709.4 (MANE Select); coding-DNA position 691, one base deleted (G; older notation c.691delG).
Protein change: p.Val231fs; shifts the reading frame from valine 231.
Molecular consequence: frameshift variant.
Genome position (GRCh38, 1-based): chr19:41,422,208, G deleted; the last of 3 consecutive G bases (chr19:41,422,206-41,422,208); deleting any one gives the same sequence. VCF-style (leftmost placement, unchanged base first): chr19-41422205-AG-A. GRCh37 (hg19) VCF-style: chr19-41928110-AG-A.
Other names: c.691del, p.Val231fs (NM_001164783.2); short protein forms V231fs.
Identifiers: ClinVar variation 4814471 (VCV004814471.2).
Genomic context (GRCh38, chr19:41,422,205, plus strand): 5'-ACCCTCTCATCCCCTGCAGCGGTGGGGGCGGCGTACGCAGCCAAGCGGGCCAATGCCAAC[AG>A]GGTCGTCATCTGTTACTTCGGCGAGGGGGCAGCCAGTGAGGGGGACGCCCATGCCGGCTT-3'